The following is an entry in ClinVar:

ClinVar aggregate classification (germline): Pathogenic (1 of 4 stars; one submission).

Conditions:
Bloom syndrome (BLM). Also called: Bloom-Torre-Machacek syndrome. Identifiers: Orphanet 125, MedGen C0005859, MONDO:0008876, OMIM 210900.

Submission:

Labcorp Genetics (formerly Invitae), Labcorp
Classification: Pathogenic for Bloom syndrome. Last evaluated: 2024-10-18. Review status: criteria provided, single submitter. Criteria: Invitae Variant Classification Sherloc (09022015). Collection method: clinical testing. Allele origin: germline.
Comment: This sequence change creates a premature translational stop signal (p.Ser577Asnfs*40) in the BLM gene. It is expected to result in an absent or disrupted protein product. Loss-of-function variants in BLM are known to be pathogenic (PMID: 17407155). This variant is not present in population databases (gnomAD no frequency). This variant has not been reported in the literature in individuals affected with BLM-related conditions. For these reasons, this variant has been classified as Pathogenic.

Literature cited by the submitters: PubMed 17407155.

NM_000057.4(BLM):c.1728_1731del (p.Ser577fs)

Gene: BLM (BLM RecQ like helicase; plus strand). Cytogenetic location: 15q26.1.
Variant type: Microsatellite.
Coding change: c.1728_1731del on transcript NM_000057.4 (MANE Select); coding-DNA positions 1728 to 1731, 4 bases deleted (CAGC; older notation c.1728_1731delCAGC).
Protein change: p.Ser577fs; shifts the reading frame from serine 577.
Molecular consequence: frameshift variant.
Genome position (GRCh38, 1-based): chr15:90,761,101-90,761,104, CAGC deleted; deleting any 4 consecutive bases within chr15:90,761,097-90,761,104 gives the same sequence; the c. name uses the placement nearest the transcript's 3' end. VCF-style (leftmost placement, unchanged base first): chr15-90761096-GCAGC-G. GRCh37 (hg19) VCF-style: chr15-91304326-GCAGC-G.
Other names: c.1728_1731del, p.Ser577fs (NM_001287246.2, NM_001287247.2); c.603_606del, p.Ser202fs (NM_001287248.2); short protein forms S202fs, S577fs.
Identifiers: ClinVar variation 3723237 (VCV003723237.2).
Genomic context (GRCh38, chr15:90,761,096, plus strand): 5'-AATTTTGACATAGATGACTTTGATGATGATGATGACTGGGAAGACATAATGCATAATTTA[GCAGC>G]CAGCAAATCTTCCACAGCTGCCTATCAACCCATCAAGGAAGGTCGGCCAATTAAATCAGT-3'